The following is an entry in ClinVar:

ClinVar aggregate classification (germline): Uncertain significance. Review status: criteria provided, multiple submitters, no conflicts (2 of 4 stars). 2 submissions from 2 submitters: Uncertain significance (2). Last evaluated 2024-02-05.

Conditions:
Arrhythmogenic right ventricular cardiomyopathy (ARVD). Also called: Arrhythmogenic cardiomyopathy; Arrhythmogenic Right Ventricular Cardiomyopathy (ARVC); Cardiomyopathy, ARVC; Arrhythmogenic right ventricular dysplasia. Identifiers: Orphanet 247, MedGen C0349788, MeSH D019571, MONDO:0016587. Disease mechanism: loss of function. Inheritance: Various modes of inheritance.

Submissions (2):

All of Us Research Program, National Institutes of Health
Classification: Uncertain significance for Arrhythmogenic right ventricular cardiomyopathy. Last evaluated: 2024-02-05. Review status: criteria provided, single submitter. Criteria: ACMG Guidelines, 2015. Collection method: clinical testing. Allele origin: germline. Inheritance: Autosomal dominant inheritance. Observed: 1 variant allele, 1 heterozygote.
Comment: This missense variant replaces isoleucine with leucine at codon 777 of the PKP2 protein. Computational prediction suggests that this variant may not impact protein structure and function (internally defined REVEL score threshold <= 0.5, PMID: 27666373). To our knowledge, functional studies have not been reported for this variant. This variant has not been reported in individuals affected with PKP2-related disorders in the literature. This variant has not been identified in the general population by the Genome Aggregation Database (gnomAD). The available evidence is insufficient to determine the role of this variant in disease conclusively. Therefore, this variant is classified as a Variant of Uncertain Significance.

This study involves interpretation of variants in research participants for the purpose of population health screening. Participant phenotype was not available at the time of variant classification. Additional details can be found in publication PMID: 35346344, PMCID: PMC8962531

Blueprint Genetics
Classification: Uncertain significance. Last evaluated: 2021-09-17. Review status: criteria provided, single submitter. Criteria: ACMG Guidelines, 2015. Collection method: clinical testing. Allele origin: germline.

NM_001005242.3(PKP2):c.2197A>C (p.Ile733Leu)

Gene: PKP2 (plakophilin 2; minus strand). Cytogenetic location: 12p11.21.
Variant type: single nucleotide variant.
Coding change: c.2197A>C on transcript NM_001005242.3 (MANE Select); coding-DNA position 2197, A replaced by C.
Protein change: p.Ile733Leu; replaces isoleucine 733 with leucine.
Molecular consequence: missense variant. On other transcripts: intron variant (2).
Genome position (GRCh38, 1-based): chr12:32,796,269, T>G on the plus strand (A>C on the coding strand, the complement: PKP2 is on the minus strand). VCF-style: chr12-32796269-T-G. GRCh37 (hg19) VCF-style: chr12-32949203-T-G.
Other names: c.2032A>C, p.Ile678Leu (NM_001407156.1); c.1870A>C, p.Ile624Leu (NM_001407158.1, NM_001407159.1); c.2329A>C, p.Ile777Leu (NM_004572.4); c.2168-3538A>C (NM_001407155.1); c.1841-3538A>C (NM_001407160.1); short protein forms I624L, I678L, I733L, I777L.
Identifiers: ClinVar variation 3075441 (VCV003075441.2), dbSNP rs749907181, ClinGen allele CA235218133.
Genomic context (GRCh38, chr12:32,796,269, plus strand): 5'-AACAGGCAGAGGCTGTAGTTTCAATGAGAAGGTCAGTACTCGGGACTGTGTCAGGAATGA[T>G]GGAAACCAAATCAGGGAGAGTTTCTTTGGCTACAAAATGAAAAAAAAAACAAAACACTTG-3'
Protein context (NP_001005242.2, residues 723-743): AKETLPDLVS[Ile733Leu]IPDTVPSTDL